The following is an entry in ClinVar:

ClinVar aggregate classification (germline): Uncertain significance. Review status: criteria provided, multiple submitters, no conflicts (2 of 4 stars). 2 submissions from 2 submitters: Uncertain significance (2). Last evaluated 2025-08-27.

Conditions:
Hereditary cancer-predisposing syndrome. Also called: Neoplastic Syndromes, Hereditary; Hereditary Cancer Syndrome; Tumor predisposition; Hereditary neoplastic syndrome. Identifiers: Orphanet 140162, MedGen C0027672, MeSH D009386, MONDO:0015356.
Familial adenomatous polyposis 2. Also called: COLORECTAL ADENOMATOUS POLYPOSIS, AUTOSOMAL RECESSIVE; ADENOMAS, MULTIPLE COLORECTAL, AUTOSOMAL RECESSIVE; MUTYH-associated polyposis; MUTYH-related attenuated familial adenomatous polyposis; MUTYH Polyposis; Adenomas, multiple colorectal. Identifiers: Orphanet 220460, Orphanet 247798, MedGen C3272841, MONDO:0012041, OMIM 608456.

Submissions (2):

Ambry Genetics
Classification: Uncertain significance for Hereditary cancer-predisposing syndrome. Last evaluated: 2025-08-27. Review status: criteria provided, single submitter. Criteria: Ambry Variant Classification Scheme 2023. Collection method: clinical testing. Allele origin: germline.
Comment: The p.A382T variant (also known as c.1144G>A), located in coding exon 12 of the MUTYH gene, results from a G to A substitution at nucleotide position 1144. The alanine at codon 382 is replaced by threonine, an amino acid with similar properties. This amino acid position is conserved. In addition, this alteration is predicted to be tolerated by in silico analysis. Based on the available evidence, the clinical significance of this variant remains unclear.

Labcorp Genetics (formerly Invitae), Labcorp
Classification: Uncertain significance for Familial adenomatous polyposis 2. Last evaluated: 2018-12-03. Review status: criteria provided, single submitter. Criteria: Invitae Variant Classification Sherloc (09022015). Collection method: clinical testing. Allele origin: germline.
Comment: In summary, the available evidence is currently insufficient to determine the role of this variant in disease. Therefore, it has been classified as a Variant of Uncertain Significance. Algorithms developed to predict the effect of missense changes on protein structure and function (SIFT, PolyPhen-2, Align-GVGD) all suggest that this variant is likely to be tolerated, but these predictions have not been confirmed by published functional studies and their clinical significance is uncertain. This variant has not been reported in the literature in individuals with MUTYH-related conditions. This variant is not present in population databases (ExAC no frequency). This sequence change replaces alanine with threonine at codon 382 of the MUTYH protein (p.Ala382Thr). The alanine residue is moderately conserved and there is a small physicochemical difference between alanine and threonine.

NM_001048174.2(MUTYH):c.1060G>A (p.Ala354Thr)

Gene: MUTYH (mutY DNA glycosylase; minus strand). Cytogenetic location: 1p34.1.
Variant type: single nucleotide variant.
Coding change: c.1060G>A on transcript NM_001048174.2 (MANE Select); coding-DNA position 1060, G replaced by A.
Protein change: p.Ala354Thr; replaces alanine 354 with threonine.
Molecular consequence: missense variant. On other transcripts: non-coding transcript variant (2).
Genome position (GRCh38, 1-based): chr1:45,331,703, C>T on the plus strand (G>A on the coding strand, the complement: MUTYH is on the minus strand). VCF-style: chr1-45331703-C-T. GRCh37 (hg19) VCF-style: chr1-45797375-C-T.
Other names: c.1060G>A, p.Ala354Thr (NM_001048171.2, NM_001048173.2, NM_001293195.2); c.1063G>A, p.Ala355Thr (NM_001048172.2); c.1144G>A, p.Ala382Thr (NM_001128425.2); c.1105G>A, p.Ala369Thr (NM_001293190.2); c.1093G>A, p.Ala365Thr (NM_001293191.2); c.784G>A, p.Ala262Thr (NM_001293192.2, NM_001293196.2); c.715G>A, p.Ala239Thr (NM_001350650.2, NM_001350651.2); c.1135G>A, p.Ala379Thr (NM_012222.3); short protein forms A355T, A369T, A379T, A382T, A239T, A262T, A354T, A365T.
Identifiers: ClinVar variation 641389 (VCV000641389.9), dbSNP rs1570381741, ClinGen allele CA340133407.
Genomic context (GRCh38, chr1:45,331,703, plus strand): 5'-CGCCCAGTATCCAGGTACCTGAGTTGGGCCTCTGCACCAGCAGAATTTGGGCCCCAAGGG[C>T]CCCAGGCTGTTCCAGAACACAGGTGGCAGAGCTCTCCTCCCTGGGGGGCTTGCGGCTGGC-3'
Protein context (NP_001041639.1, residues 344-364): SATCVLEQPG[Ala354Thr]LGAQILLVQR